The following is an entry in ClinVar:

NM_001101.5(ACTB):c.359C>G (p.Thr120Ser)

Gene: ACTB (actin beta; minus strand). Cytogenetic location: 7p22.1.
Variant type: single nucleotide variant.
Coding change: c.359C>G on transcript NM_001101.5 (MANE Select); coding-DNA position 359, C replaced by G.
Protein change: p.Thr120Ser; replaces threonine 120 with serine.
Molecular consequence: missense variant.
Genome position (GRCh38, 1-based): chr7:5,529,165, G>C on the plus strand (C>G on the coding strand, the complement: ACTB is on the minus strand). VCF-style: chr7-5529165-G-C. GRCh37 (hg19) VCF-style: chr7-5568796-G-C.
Other names: short protein forms T120S.
Identifiers: ClinVar variation 2499318 (VCV002499318.1), dbSNP rs587779774, ClinGen allele CA366704145.
Genomic context (GRCh38, chr7:5,529,165, plus strand): 5'-TCCGGGAGGCCAGGAAGGAGGGAGGCGGCCACCAGAAGAGGTAGCGGGCCACTCACCTGG[G>C]TCATCTTCTCGCGGTTGGCCTTGGGGTTCAGGGGGGCCTCGGTCAGCAGCACGGGGTGCT-3'
Protein context (NP_001092.1, residues 110-130): LNPKANREKM[Thr120Ser]QIMFETFNTP

ClinVar aggregate classification (germline): Uncertain significance (1 of 4 stars; one submission).

Submission:

GeneDx
Classification: Uncertain significance. Last evaluated: 2022-10-11. Review status: criteria provided, single submitter. Criteria: GeneDx Variant Classification Process June 2021. Collection method: clinical testing. Allele origin: germline. Affected: yes.
Comment: Not observed at significant frequency in large population cohorts (gnomAD); Missense variants in this gene are often considered pathogenic (HGMD); In silico analysis supports that this missense variant has a deleterious effect on protein structure/function; Has not been previously published as pathogenic or benign to our knowledge